The following is an entry in ClinVar:

NM_001366110.1(PAX4):c.868T>C (p.Cys290Arg)

Gene: PAX4 (paired box 4; minus strand). Cytogenetic location: 7q32.1.
Variant type: single nucleotide variant.
Coding change: c.868T>C on transcript NM_001366110.1 (MANE Select); coding-DNA position 868, T replaced by C.
Protein change: p.Cys290Arg; replaces cysteine 290 with arginine.
Molecular consequence: missense variant.
Genome position (GRCh38, 1-based): chr7:127,611,580, A>G on the plus strand (T>C on the coding strand, the complement: PAX4 is on the minus strand). VCF-style: chr7-127611580-A-G. GRCh37 (hg19) VCF-style: chr7-127251634-A-G.
Other names: NM_006193.2:c.844T>C; c.868T>C, p.Cys290Arg (NM_001366111.1); short protein forms C290R.
Identifiers: ClinVar variation 436159 (VCV000436159.17), dbSNP rs139309837, ClinGen allele CA4467890.

ClinVar aggregate classification (germline): Likely benign. Review status: criteria provided, multiple submitters, no conflicts (2 of 4 stars). 4 submissions from 4 submitters: Likely benign (3). 1 of the submissions does not count toward it. Last evaluated 2025-12-19.

Conditions:
PAX4-related disorder. Also called: PAX4-related condition.

Allele frequency attached by ClinVar (database versions not stated): 1000 Genomes Project 30x 0.00031; 1000 Genomes Project 0.00040; gnomAD 0.00102 and 0.00106; TOPMed 0.00106; gnomAD exomes 0.00113 and 0.00218; ExAC 0.00128; ESP Exome Variant Server 0.00169.
gnomAD v4.1: 3,285 of 1,613,464 alleles (0.2%); highest among the groups gnomAD compares: Non-Finnish European, 0.26%; 6 homozygotes.

Submissions (4):

Labcorp Genetics (formerly Invitae), Labcorp
Classification: Likely benign. Last evaluated: 2025-12-19. Review status: criteria provided, single submitter. Criteria: Invitae Variant Classification Sherloc (09022015). Collection method: clinical testing. Allele origin: germline.

Blueprint Genetics
Classification: Likely benign. Last evaluated: 2024-11-07. Review status: criteria provided, single submitter. Criteria: ACMG Guidelines, 2015. Collection method: clinical testing. Allele origin: germline.

Genetic Services Laboratory, University of Chicago
Classification: Likely benign. Last evaluated: 2019-07-11. Review status: criteria provided, single submitter. Criteria: ACMG Guidelines, 2015. Collection method: clinical testing. Allele origin: germline. Affected: no.

PreventionGenetics, part of Exact Sciences
Classification: Likely benign for PAX4-related condition. Last evaluated: 2020-12-08. Review status: no assertion criteria provided. Collection method: clinical testing. Allele origin: germline. Not counted in ClinVar's aggregate classification.
Comment: This variant is classified as likely benign based on ACMG/AMP sequence variant interpretation guidelines (Richards et al. 2015 PMID: 25741868, with internal and published modifications).